The following is an entry in ClinVar:

ClinVar aggregate classification (germline): Uncertain significance (1 of 4 stars; one submission).

gnomAD v4.1: 5 of 1,552,170 alleles (0.00032%); highest among the groups gnomAD compares: South Asian, 0.0047%; no homozygotes.

Submission:

Labcorp Genetics (formerly Invitae), Labcorp
Classification: Uncertain significance. Last evaluated: 2024-04-16. Review status: criteria provided, single submitter. Criteria: Invitae Variant Classification Sherloc (09022015). Collection method: clinical testing. Allele origin: germline.
Comment: This sequence change replaces glycine, which is neutral and non-polar, with glutamic acid, which is acidic and polar, at codon 121 of the KLF1 protein (p.Gly121Glu). This variant is not present in population databases (gnomAD no frequency). This variant has not been reported in the literature in individuals affected with KLF1-related conditions. Advanced modeling of protein sequence and biophysical properties (such as structural, functional, and spatial information, amino acid conservation, physicochemical variation, residue mobility, and thermodynamic stability) performed at Invitae indicates that this missense variant is not expected to disrupt KLF1 protein function with a negative predictive value of 80%. In summary, the available evidence is currently insufficient to determine the role of this variant in disease. Therefore, it has been classified as a Variant of Uncertain Significance.

NM_006563.5(KLF1):c.362G>A (p.Gly121Glu)

Genes: KLF1 (KLF transcription factor 1; minus strand), LOC130063673 (ATAC-STARR-seq lymphoblastoid silent region 10180; plus strand). Cytogenetic location: 19p13.13.
Variant type: single nucleotide variant.
Coding change: c.362G>A on transcript NM_006563.5 (MANE Select); coding-DNA position 362, G replaced by A.
Protein change: p.Gly121Glu; replaces glycine 121 with glutamic acid.
Molecular consequence: missense variant.
Genome position (GRCh38, 1-based): chr19:12,885,868, C>T on the plus strand (G>A on the coding strand, the complement: KLF1 is on the minus strand). VCF-style: chr19-12885868-C-T. GRCh37 (hg19) VCF-style: chr19-12996682-C-T.
Other names: short protein forms G121E.
Identifiers: ClinVar variation 3613155 (VCV003613155.2).